The following is an entry in ClinVar:

NM_016111.4(TELO2):c.238C>A (p.His80Asn)

Gene: TELO2 (telomere maintenance 2; plus strand). Cytogenetic location: 16p13.3.
Variant type: single nucleotide variant.
Coding change: c.238C>A on transcript NM_016111.4 (MANE Select); coding-DNA position 238, C replaced by A.
Protein change: p.His80Asn; replaces histidine 80 with asparagine.
Molecular consequence: missense variant.
Genome position (GRCh38, 1-based): chr16:1,494,519, C>A. VCF-style: chr16-1494519-C-A. GRCh37 (hg19) VCF-style: chr16-1544520-C-A.
Other names: c.238C>A, p.His80Asn (NM_001351846.2); short protein forms H80N.
Identifiers: ClinVar variation 737992 (VCV000737992.10), dbSNP rs199863486, ClinGen allele CA7811569.

ClinVar aggregate classification (germline): Conflicting classifications of pathogenicity. Review status: criteria provided, conflicting classifications (1 of 4 stars). 3 submissions from 3 submitters: Uncertain significance (1); Benign (1). 1 of the submissions does not count toward it. Last evaluated 2025-10-30.

Conditions:
Inborn genetic diseases. Identifiers: MedGen C0950123, MeSH D030342.
TELO2-related intellectual disability-neurodevelopmental disorder. Also called: You-Hoover-Fong syndrome. Identifiers: Orphanet 488642, MedGen C4310778, MONDO:0014848, OMIM 616954.

Allele frequency attached by ClinVar (database versions not stated): gnomAD 0.00014 and 0.00025; gnomAD exomes 0.00019 and 0.00068; TOPMed 0.00031; ExAC 0.00059; 1000 Genomes Project 0.00140; 1000 Genomes Project 30x 0.00172.
gnomAD v4.1: 313 of 1,613,338 alleles (0.019%); highest among the groups gnomAD compares: East Asian, 0.47%; no homozygotes.

Submissions (3):

Labcorp Genetics (formerly Invitae), Labcorp
Classification: Benign. Last evaluated: 2025-10-30. Review status: criteria provided, single submitter. Criteria: Invitae Variant Classification Sherloc (09022015). Collection method: clinical testing. Allele origin: germline.

Ambry Genetics
Classification: Uncertain significance for Inborn genetic diseases. Last evaluated: 2020-12-07. Review status: criteria provided, single submitter. Criteria: Ambry Variant Classification Scheme 2023. Collection method: clinical testing. Allele origin: germline.

Pediatrics, Sichuan Provincial Hospital For Women And Children
Classification: Uncertain significance for TELO2-related intellectual disability-neurodevelopmental disorder. Last evaluated: 2023-01-20. Review status: no assertion criteria provided. Collection method: provider interpretation. Allele origin: maternal. Inheritance: Autosomal recessive inheritance. Affected: yes. Observed: 1 compound heterozygote. Not counted in ClinVar's aggregate classification.